The following is an entry in ClinVar:

NM_001130823.3(DNMT1):c.4773+3C>G

Genes: DNMT1 (DNA methyltransferase 1; minus strand), LOC126862853 (CDK7 strongly-dependent group 2 enhancer GRCh37_chr19:10246117-10247316; plus strand). Cytogenetic location: 19p13.2.
Variant type: single nucleotide variant.
Coding change: c.4773+3C>G on transcript NM_001130823.3 (MANE Select); 3 bases into the intron after coding-DNA position 4773, C replaced by G.
Molecular consequence: intron variant.
Genome position (GRCh38, 1-based): chr19:10,135,733, G>C on the plus strand (C>G on the coding strand, the complement: DNMT1 is on the minus strand). VCF-style: chr19-10135733-G-C. GRCh37 (hg19) VCF-style: chr19-10246409-G-C.
Other names: c.4410+3C>G (NM_001318731.2); c.4725+3C>G (NM_001379.4); c.4734+3C>G (NM_001318730.2).
Identifiers: ClinVar variation 1742678 (VCV001742678.2), dbSNP rs2513765132, ClinGen allele CA2580096158.
Genomic context (GRCh38, chr19:10,135,733, plus strand): 5'-CACCTGGTGACAGGCACAGAAGCCTCCTTCCTGTCCAGACCCAGCGGGCGCCGCCCCACT[G>C]ACCTGCCGGTGCTTGTCCAGGATGTTGCCGAAGAGCCGGTAGGTGTCAGGGAAGCCCTGG-3'

ClinVar aggregate classification (germline): Uncertain significance (1 of 4 stars; one submission).

Conditions:
Inborn genetic diseases. Identifiers: MedGen C0950123, MeSH D030342.

Submission:

Ambry Genetics
Classification: Uncertain significance for Inborn genetic diseases. Last evaluated: 2019-12-26. Review status: criteria provided, single submitter. Criteria: Ambry Variant Classification Scheme 2023. Collection method: clinical testing. Allele origin: germline.
Comment: The c.4725+3C>G intronic variant results from a C to G substitution 3 nucleotides after coding exon 38 in the DNMT1 gene. This nucleotide position is not well conserved in available vertebrate species. Using the BDGP and ESEfinder splice site prediction tools, this alteration is not predicted to have any significant effect on this splice donor site; however, direct evidence is unavailable. Since supporting evidence is limited at this time, the clinical significance of this alteration remains unclear.